The following is an entry in ClinVar:

ClinVar aggregate classification (germline): Uncertain significance. Review status: criteria provided, multiple submitters, no conflicts (2 of 4 stars). 2 submissions from 2 submitters: Uncertain significance (2). Last evaluated 2024-02-12.

Conditions:
Paget disease of bone 2, early-onset (PDB2). Also called: Paget disease of bone 2. Identifiers: MedGen C4085251, MONDO:0011183, OMIM 602080.
Frontotemporal dementia and/or amyotrophic lateral sclerosis 1 (FTDALS1). Also called: Frontotemporal dementia with motor neuron disease 1; C9orf72 Frontotemporal Dementia and/or Amyotrophic Lateral Sclerosis. Identifiers: Orphanet 275872, MedGen C5779877, MONDO:0007105, OMIM 105550.

Allele frequency attached by ClinVar (database versions not stated): gnomAD 0.00001 and 0.00002; gnomAD exomes 0.00001.
gnomAD v4.1: 19 of 1,613,980 alleles (0.0012%); highest among the groups gnomAD compares: African/African-American, 0.0013%; no homozygotes.

Submissions (2):

Labcorp Genetics (formerly Invitae), Labcorp
Classification: Uncertain significance for Paget disease of bone 2, early-onset; Frontotemporal dementia and/or amyotrophic lateral sclerosis 1. Last evaluated: 2024-02-12. Review status: criteria provided, single submitter. Criteria: Invitae Variant Classification Sherloc (09022015). Collection method: clinical testing. Allele origin: germline.
Comment: This sequence change replaces valine, which is neutral and non-polar, with alanine, which is neutral and non-polar, at codon 346 of the SQSTM1 protein (p.Val346Ala). This variant is present in population databases (no rsID available, gnomAD 0.0009%). This variant has not been reported in the literature in individuals affected with SQSTM1-related conditions. ClinVar contains an entry for this variant (Variation ID: 1041858). Advanced modeling of protein sequence and biophysical properties (such as structural, functional, and spatial information, amino acid conservation, physicochemical variation, residue mobility, and thermodynamic stability) has been performed at Invitae for this missense variant, however the output from this modeling did not meet the statistical confidence thresholds required to predict the impact of this variant on SQSTM1 protein function. In summary, the available evidence is currently insufficient to determine the role of this variant in disease. Therefore, it has been classified as a Variant of Uncertain Significance.

GeneDx
Classification: Uncertain significance. Last evaluated: 2019-12-30. Review status: criteria provided, single submitter. Criteria: GeneDx Variant Classification Process June 2021. Collection method: clinical testing. Allele origin: germline. Affected: yes.
Comment: Not observed at a significant frequency in large population cohorts (Lek et al., 2016); In silico analysis, which includes protein predictors and evolutionary conservation, supports that this variant does not alter protein structure/function; Has not been previously published as pathogenic or benign to our knowledge; This variant is associated with the following publications: (PMID: 30842500)

NM_003900.5(SQSTM1):c.1037T>C (p.Val346Ala)

Gene: SQSTM1 (sequestosome 1; plus strand). Cytogenetic location: 5q35.3.
Variant type: single nucleotide variant.
Coding change: c.1037T>C on transcript NM_003900.5 (MANE Select); coding-DNA position 1037, T replaced by C.
Protein change: p.Val346Ala; replaces valine 346 with alanine.
Molecular consequence: missense variant.
Genome position (GRCh38, 1-based): chr5:179,833,654, T>C. VCF-style: chr5-179833654-T-C. GRCh37 (hg19) VCF-style: chr5-179260654-T-C.
Other names: c.785T>C, p.Val262Ala (NM_001142298.2, NM_001142299.2); short protein forms V346A, V262A.
Identifiers: ClinVar variation 1041858 (VCV001041858.8), dbSNP rs1250501488, ClinGen allele CA362452570.